The following is an entry in ClinVar:

NM_001009944.3(PKD1):c.3746A>T (p.Asp1249Val)

Gene: PKD1 (polycystin 1, transient receptor potential channel interacting; minus strand). Cytogenetic location: 16p13.3.
Variant type: single nucleotide variant.
Coding change: c.3746A>T on transcript NM_001009944.3 (MANE Select); coding-DNA position 3746, A replaced by T.
Protein change: p.Asp1249Val; replaces aspartic acid 1249 with valine.
Molecular consequence: missense variant.
Genome position (GRCh38, 1-based): chr16:2,111,421, T>A on the plus strand (A>T on the coding strand, the complement: PKD1 is on the minus strand). VCF-style: chr16-2111421-T-A. GRCh37 (hg19) VCF-style: chr16-2161422-T-A.
Other names: c.3746A>T, p.Asp1249Val (NM_000296.4); short protein forms D1249V.
Identifiers: ClinVar variation 3773810 (VCV003773810.1).
Genomic context (GRCh38, chr16:2,111,421, plus strand): 5'-TTCTGTGCCCGCAGGTACACATGCTCCACTGTTGCCTCCGGGCCCGACAGCACGGTGCCG[T>A]CCCCCATGTCGAAGGTCCACGTGATGTTGTCGCCCGTCTGCACCGCGGCGCTGACCACCA-3'
Protein context (NP_001009944.3, residues 1239-1259): DNITWTFDMG[Asp1249Val]GTVLSGPEAT

ClinVar aggregate classification (germline): Uncertain significance (1 of 4 stars; one submission).

Conditions:
Polycystic kidney disease. Also called: Kidney, Polycystic; Polycystic kidney dysplasia. Identifiers: MedGen C0022680, MeSH D007690, MONDO:0020642, HP:0000113.

Submission:

Clinical Genetics Laboratory, Skane University Hospital Lund
Classification: Uncertain significance for Polycystic kidney disease. Last evaluated: 2025-02-17. Review status: criteria provided, single submitter. Criteria: ACMG Guidelines, 2015. Collection method: clinical testing. Allele origin: germline. Affected: yes.
Comment: ACMG criteria used: PM2, PP3